The following is an entry in ClinVar:

ClinVar aggregate classification (germline): Likely benign. Review status: criteria provided, multiple submitters, no conflicts (2 of 4 stars). 3 submissions from 3 submitters: Likely benign (3). Last evaluated 2026-07-06.

Conditions:
TTN-related disorder. Also called: TTN-related condition; TTN-related disease; TTN-related disorders.

Allele frequency attached by ClinVar (database versions not stated): ExAC 0.00002; gnomAD exomes 0.00003; TOPMed 0.00004; gnomAD 0.00005; ESP Exome Variant Server 0.00008.
gnomAD v4.1: 164 of 1,613,284 alleles (0.01%); highest among the groups gnomAD compares: Non-Finnish European, 0.012%; no homozygotes.

Submissions (3):

PreventionGenetics, part of Exact Sciences
Classification: Likely benign for TTN-related condition. Last evaluated: 2026-07-06. Review status: criteria provided, single submitter. Criteria: ACMG Guidelines, 2015. Collection method: clinical testing. Allele origin: germline.
Comment: This variant is classified as likely benign based on ACMG/AMP sequence variant interpretation guidelines (Richards et al. 2015 PMID: 25741868, with internal and published modifications).

Blueprint Genetics
Classification: Likely benign. Last evaluated: 2024-10-17. Review status: criteria provided, single submitter. Criteria: ACMG Guidelines, 2015. Collection method: clinical testing. Allele origin: germline.

Laboratory for Molecular Medicine, Mass General Brigham Personalized Medicine
Classification: Likely benign. Last evaluated: 2012-03-19. Review status: criteria provided, single submitter. Criteria: LMM Criteria. Collection method: clinical testing. Allele origin: germline. Observed: 1 variant allele.
Comment: Tyr5195Tyr in exon 45A of TTN: This variant is not expected to have clinical sig nificance because it does not alter an amino acid residue and is not located wit hin the splice consensus sequence. It has been identified in 1/7016 European Ame rican chromosomes from a broad population by the NHLBI Exome Sequencing Project (dbSNP rs149543721). Tyr5195Tyr in exon 45A o f TTN (rs149543721; allele frequency = 1/7016) **

NM_133379.5(TTN):c.15585T>C (p.Tyr5195=)

Gene: TTN (titin; minus strand). Cytogenetic location: 2q31.2.
Variant type: single nucleotide variant.
Coding change: c.15585T>C on transcript NM_133379.5; coding-DNA position 15585, T replaced by C.
Protein change: p.Tyr5195=; no amino-acid change (tyrosine 5195 retained).
Molecular consequence: synonymous variant. On other transcripts: intron variant (6).
Genome position (GRCh38, 1-based): chr2:178,746,815, A>G on the plus strand (T>C on the coding strand, the complement: TTN is on the minus strand). VCF-style: chr2-178746815-A-G. GRCh37 (hg19) VCF-style: chr2-179611542-A-G.
Other names: c.10223-4894T>C (NM_003319.4); c.10799-4894T>C (NM_133437.4); c.10598-4894T>C (NM_133432.3); c.10360+6309T>C (NM_133378.4); c.10361-4894T>C (NM_001256850.1); c.11312-4894T>C (NM_001267550.2); c.15585T>C (NM_133379.4).
Identifiers: ClinVar variation 166252 (VCV000166252.7), dbSNP rs149543721, ClinGen allele CA179076.